The following is an entry in ClinVar:

ClinVar aggregate classification (germline): Uncertain significance. Review status: criteria provided, multiple submitters, no conflicts (2 of 4 stars). 2 submissions from 2 submitters: Uncertain significance (2). Last evaluated 2025-10-05.

Conditions:
Inborn genetic diseases. Identifiers: MedGen C0950123, MeSH D030342.

gnomAD v4.1: 2 of 1,613,544 alleles (0.00012%); highest among the groups gnomAD compares: South Asian, 0.0022%; no homozygotes.

Submissions (2):

Ambry Genetics
Classification: Uncertain significance for Inborn genetic diseases. Last evaluated: 2025-10-05. Review status: criteria provided, single submitter. Criteria: Ambry Variant Classification Scheme 2023. Collection method: clinical testing. Allele origin: germline.
Comment: The p.S957F variant (also known as c.2870C>T), located in coding exon 14 of the FANCM gene, results from a C to T substitution at nucleotide position 2870. The serine at codon 957 is replaced by phenylalanine, an amino acid with highly dissimilar properties. This amino acid position is conserved. In addition, this alteration is predicted to be tolerated by in silico analysis. Based on the available evidence, the clinical significance of this variant remains unclear.

Quest Diagnostics Nichols Institute San Juan Capistrano
Classification: Uncertain significance. Last evaluated: 2024-10-15. Review status: criteria provided, single submitter. Criteria: Quest Diagnostics criteria. Collection method: clinical testing. Allele origin: unknown.
Comment: The FANCM c.2870C>T (p.Ser957Phe) variant has not been reported in individuals with FANCM-related conditions in the published literature. The frequency of this variant in the general population, 0.000004 (1/249810 chromosomes (Genome Aggregation Database)), is uninformative in the assessment of its pathogenicity. Analysis of this variant using bioinformatics tools for the prediction of the effect of amino acid changes on protein structure and function yielded predictions that this variant is benign. Based on the available information, we are unable to determine the clinical significance of this variant.

NM_020937.4(FANCM):c.2870C>T (p.Ser957Phe)

Gene: FANCM (FA complementation group M; plus strand). Cytogenetic location: 14q21.2.
Variant type: single nucleotide variant.
Coding change: c.2870C>T on transcript NM_020937.4 (MANE Select); coding-DNA position 2870, C replaced by T.
Protein change: p.Ser957Phe; replaces serine 957 with phenylalanine.
Molecular consequence: missense variant.
Genome position (GRCh38, 1-based): chr14:45,175,624, C>T. VCF-style: chr14-45175624-C-T. GRCh37 (hg19) VCF-style: chr14-45644827-C-T.
Other names: c.2792C>T, p.Ser931Phe (NM_001308133.2); short protein forms S931F, S957F.
Identifiers: ClinVar variation 3572284 (VCV003572284.2).
Genomic context (GRCh38, chr14:45,175,624, plus strand): 5'-TTGCTGGAAATGTTTTAGATTCTGGTTATAACAGTTTCAATGATGAAAAATCTGTTTCAT[C>T]TAACTTATTTCTTCCATTCGAAGAAGAGCTTTATATTGTTAGAACAGATGACCAATTTTA-3'
Protein context (NP_065988.1, residues 947-967): NSFNDEKSVS[Ser957Phe]NLFLPFEEEL